The following is an entry in ClinVar:

ClinVar aggregate classification (germline): Likely benign. Review status: criteria provided, single submitter (1 of 4 stars). 2 submissions from 2 submitters: Likely benign (1). 1 of the submissions does not count toward it. Last evaluated 2025-08-16.

Conditions:
RYR1-related disorder. Also called: RYR1-related condition; RYR1-related disorders. Identifiers: MedGen CN239331.

Allele frequency attached by ClinVar (database versions not stated): TOPMed below 0.00001; gnomAD exomes 0.00001 and 0.00002; ExAC 0.00002.
gnomAD v4.1: 4 of 1,614,184 alleles (0.00025%); highest among the groups gnomAD compares: Admixed American, 0.0067%; no homozygotes.

Submissions (2):

Labcorp Genetics (formerly Invitae), Labcorp
Classification: Likely benign for RYR1-related disorder. Last evaluated: 2025-08-16. Review status: criteria provided, single submitter. Criteria: Invitae Variant Classification Sherloc (09022015). Collection method: clinical testing. Allele origin: germline.

PreventionGenetics, part of Exact Sciences
Classification: Likely benign for RYR1-related condition. Last evaluated: 2019-03-11. Review status: no assertion criteria provided. Collection method: clinical testing. Allele origin: germline. Not counted in ClinVar's aggregate classification.
Comment: This variant is classified as likely benign based on ACMG/AMP sequence variant interpretation guidelines (Richards et al. 2015 PMID: 25741868, with internal and published modifications).

NM_000540.3(RYR1):c.7252C>T (p.Leu2418=)

Gene: RYR1 (ryanodine receptor 1; plus strand). Cytogenetic location: 19q13.2.
Variant type: single nucleotide variant.
Coding change: c.7252C>T on transcript NM_000540.3 (MANE Select); coding-DNA position 7252, C replaced by T.
Protein change: p.Leu2418=; no amino-acid change (leucine 2418 retained).
Molecular consequence: synonymous variant.
Genome position (GRCh38, 1-based): chr19:38,499,945, C>T. VCF-style: chr19-38499945-C-T. GRCh37 (hg19) VCF-style: chr19-38990585-C-T.
Other names: c.7252C>T, p.Leu2418= (NM_001042723.2).
Identifiers: ClinVar variation 708417 (VCV000708417.12), dbSNP rs761917791, ClinGen allele CA069367.